The following is an entry in ClinVar:

NM_001035.3(RYR2):c.4430A>C (p.His1477Pro)

Gene: RYR2 (ryanodine receptor 2; plus strand). Cytogenetic location: 1q43.
Variant type: single nucleotide variant.
Coding change: c.4430A>C on transcript NM_001035.3 (MANE Select); coding-DNA position 4430, A replaced by C.
Protein change: p.His1477Pro; replaces histidine 1477 with proline.
Molecular consequence: missense variant.
Genome position (GRCh38, 1-based): chr1:237,593,630, A>C. VCF-style: chr1-237593630-A-C. GRCh37 (hg19) VCF-style: chr1-237756930-A-C.
Other names: short protein forms H1477P.
Identifiers: ClinVar variation 863005 (VCV000863005.2), dbSNP rs1461139776, ClinGen allele CA345400007.
Genomic context (GRCh38, chr1:237,593,630, plus strand): 5'-TTGACTTGGACAGAGTTCGCACAGTAACAGTTACTCTAGGAGATGAAAAAGGAAAAGTGC[A>C]TGAAAGGTTAGTTTTCCTCAATTTTTTGCAAGAATGACATGTGAAAAAAATATTGGTGAA-3'
Protein context (NP_001026.2, residues 1467-1487): VTLGDEKGKV[His1477Pro]ESIKRSNCYM

ClinVar aggregate classification (germline): Uncertain significance (1 of 4 stars; one submission).

Conditions:
Catecholaminergic polymorphic ventricular tachycardia (CVPT). Also called: Catecholamine-induced polymorphic ventricular tachycardia. Identifiers: Orphanet 3286, MedGen C5574922, MONDO:0017990.

gnomAD v4.1: 2 of 1,613,802 alleles (0.00012%); highest among the groups gnomAD compares: Non-Finnish European, 0.00017%; no homozygotes.

Submission:

Labcorp Genetics (formerly Invitae), Labcorp
Classification: Uncertain significance for Catecholaminergic polymorphic ventricular tachycardia. Last evaluated: 2020-01-13. Review status: criteria provided, single submitter. Criteria: Invitae Variant Classification Sherloc (09022015). Collection method: clinical testing. Allele origin: germline.
Comment: This sequence change replaces histidine with proline at codon 1477 of the RYR2 protein (p.His1477Pro). The histidine residue is highly conserved and there is a moderate physicochemical difference between histidine and proline. This variant is not present in population databases (ExAC no frequency). This variant has not been reported in the literature in individuals with RYR2-related conditions. Algorithms developed to predict the effect of missense changes on protein structure and function (SIFT, PolyPhen-2, Align-GVGD) all suggest that this variant is likely to be disruptive, but these predictions have not been confirmed by published functional studies and their clinical significance is uncertain. In summary, the available evidence is currently insufficient to determine the role of this variant in disease. Therefore, it has been classified as a Variant of Uncertain Significance.